The following is an entry in ClinVar:

NM_033028.5(BBS4):c.1106+3A>G

Gene: BBS4 (Bardet-Biedl syndrome 4; plus strand). Cytogenetic location: 15q24.1.
Variant type: single nucleotide variant.
Coding change: c.1106+3A>G on transcript NM_033028.5 (MANE Select); 3 bases into the intron after coding-DNA position 1106, A replaced by G.
Molecular consequence: intron variant.
Genome position (GRCh38, 1-based): chr15:72,735,185, A>G. VCF-style: chr15-72735185-A-G. GRCh37 (hg19) VCF-style: chr15-73027526-A-G.
Other names: c.1037+3A>G (NM_001320665.2); c.590+3A>G (NM_001252678.2).
Identifiers: ClinVar variation 262135 (VCV000262135.5), dbSNP rs886038704, ClinGen allele CA10587210.

ClinVar aggregate classification (germline): Conflicting classifications of pathogenicity. Review status: criteria provided, conflicting classifications (1 of 4 stars). 3 submissions from 3 submitters: Uncertain significance (2); Likely benign (1). Last evaluated 2023-05-03.

Allele frequency attached by ClinVar (database versions not stated): gnomAD exomes below 0.00001.
gnomAD v4.1: 1 of 1,612,402 alleles (0.000062%); highest among the groups gnomAD compares: Non-Finnish European, 0.000085%; no homozygotes.

Submissions (3):

Blueprint Genetics
Classification: Uncertain significance. Last evaluated: 2023-05-03. Review status: criteria provided, single submitter. Criteria: ACMG Guidelines, 2015. Collection method: clinical testing. Allele origin: germline.

GeneDx
Classification: Uncertain significance. Last evaluated: 2019-11-21. Review status: criteria provided, single submitter. Criteria: GeneDx Variant Classification Process June 2021. Collection method: clinical testing. Allele origin: germline. Affected: yes.
Comment: Not observed in large population cohorts (Lek et al., 2016); Has not been previously published as pathogenic or benign to our knowledge; In-silico analysis, which includes splice predictors and evolutionary conservation, is inconclusive as to whether the variant alters gene splicing. In the absence of RNA/functional studies, the actual effect of this sequence change is unknown.

PreventionGenetics, part of Exact Sciences
Classification: Likely benign. Review status: criteria provided, single submitter. Criteria: ACMG Guidelines, 2015. Collection method: clinical testing. Allele origin: germline.